The following is an entry in ClinVar:

ClinVar aggregate classification (germline): Pathogenic (1 of 4 stars; one submission).

Submission:

Labcorp Genetics (formerly Invitae), Labcorp
Classification: Pathogenic. Last evaluated: 2022-06-12. Review status: criteria provided, single submitter. Criteria: Invitae Variant Classification Sherloc (09022015). Collection method: clinical testing. Allele origin: germline.
Comment: For these reasons, this variant has been classified as Pathogenic. This variant has not been reported in the literature in individuals affected with LRPPRC-related conditions. This variant is not present in population databases (gnomAD no frequency). This sequence change creates a premature translational stop signal (p.Gln947Hisfs*17) in the LRPPRC gene. It is expected to result in an absent or disrupted protein product. Loss-of-function variants in LRPPRC are known to be pathogenic (PMID: 26510951).

Literature cited by the submitters: PubMed 26510951.

NM_133259.4(LRPPRC):c.2839_2840dup (p.Gln947fs)

Gene: LRPPRC (leucine rich pentatricopeptide repeat containing; minus strand). Cytogenetic location: 2p21.
Variant type: Microsatellite.
Coding change: c.2839_2840dup on transcript NM_133259.4 (MANE Select); coding-DNA positions 2839 to 2840, 2 bases duplicated (CA; older notation c.2839_2840dupCA).
Protein change: p.Gln947fs; shifts the reading frame from glutamine 947.
Molecular consequence: frameshift variant.
Genome position (GRCh38, 1-based): chr2:43,925,123-43,925,124, TG duplicated on the plus strand (CA on the coding strand, the reverse complement: LRPPRC is on the minus strand); duplicating any 2 consecutive bases within chr2:43,925,123-43,925,127 gives the same sequence; the c. name uses the placement nearest the transcript's 3' end. VCF-style (leftmost placement, unchanged base first): chr2-43925122-C-CTG. GRCh37 (hg19) VCF-style: chr2-44152261-C-CTG.
Other names: short protein forms Q947fs.
Identifiers: ClinVar variation 1999239 (VCV001999239.4), dbSNP rs2466483045, ClinGen allele CA2580611623.